The following is an entry in ClinVar:

NM_000458.4(HNF1B):c.344+2T>C

Gene: HNF1B (HNF1 homeobox B; minus strand). Cytogenetic location: 17q12.
Variant type: single nucleotide variant.
Coding change: c.344+2T>C on transcript NM_000458.4 (MANE Select); the canonical splice donor site of the intron after coding-DNA position 344, T replaced by C.
Molecular consequence: splice donor variant.
Genome position (GRCh38, 1-based): chr17:37,744,539, A>G on the plus strand (T>C on the coding strand, the complement: HNF1B is on the minus strand). VCF-style: chr17-37744539-A-G. GRCh37 (hg19) VCF-style: chr17-36104530-A-G.
Other names: c.344+2T>C (NM_001304286.2, NM_001165923.4, NM_001411100.1).
Identifiers: ClinVar variation 635712 (VCV000635712.1), dbSNP rs2511849321, ClinGen allele CA398752874.

ClinVar aggregate classification (germline): Pathogenic (1 of 4 stars; one submission).

Conditions:
Renal cysts and diabetes syndrome (RCAD). Also called: Familial hypoplastic, glomerulocystic kidney; MATURITY-ONSET DIABETES OF THE YOUNG, TYPE 5. Identifiers: Orphanet 93111, MedGen C0431693, MONDO:0007669, OMIM 137920.

Submission:

Institute of Human Genetics, FAU Erlangen, Friedrich-Alexander-Universität Erlangen-Nürnberg
Classification: Pathogenic for Renal cysts and diabetes syndrome. Last evaluated: 2019-07-06. Review status: criteria provided, single submitter. Criteria: ACMG Guidelines, 2015. Collection method: literature only. Allele origin: germline. Affected: yes.
Comment: This variant and it's classification has been reported by Vasileiou et al. 2019; DOI:10.1101/576918. The variants has previously been reported in PMID:26899772 as "c.344+2T>C" with clinical significance Pathogenic. It has been re-classified using InterVar and manual curation as Pathogenic based on PVS1 PM2 PP3.

Literature cited by the submitters: PubMed 26899772; DOI 10.1101/576918.